The following is an entry in ClinVar:

NM_018699.4(PRDM5):c.602G>C (p.Cys201Ser)

Gene: PRDM5 (PR/SET domain 5; minus strand). Cytogenetic location: 4q27.
Variant type: single nucleotide variant.
Coding change: c.602G>C on transcript NM_018699.4 (MANE Select); coding-DNA position 602, G replaced by C.
Protein change: p.Cys201Ser; replaces cysteine 201 with serine.
Molecular consequence: missense variant.
Genome position (GRCh38, 1-based): chr4:120,818,401, C>G on the plus strand (G>C on the coding strand, the complement: PRDM5 is on the minus strand). VCF-style: chr4-120818401-C-G. GRCh37 (hg19) VCF-style: chr4-121739556-C-G.
Other names: c.602G>C, p.Cys201Ser (NM_001300823.2, NM_001300824.2, NM_001379104.1 and 1 more transcripts); short protein forms C201S.
Identifiers: ClinVar variation 3937793 (VCV003937793.9).

ClinVar aggregate classification (germline): Uncertain significance. Review status: criteria provided, multiple submitters, no conflicts (2 of 4 stars). 2 submissions from 2 submitters: Uncertain significance (2). Last evaluated 2025-09-01.

Conditions:
Cardiovascular phenotype. Identifiers: MedGen CN230736.

gnomAD v4.1: 1 of 1,614,076 alleles (0.000062%); highest among the groups gnomAD compares: Admixed American, 0.0017%; no homozygotes.

Submissions (2):

CeGaT Center for Human Genetics Tuebingen
Classification: Uncertain significance. Last evaluated: 2025-09-01. Review status: criteria provided, single submitter. Criteria: CeGaT Center For Human Genetics Tuebingen Variant Classification Criteria Version 2. Collection method: clinical testing. Allele origin: germline. Affected: yes. Observed: 1 variant allele.
Comment: PRDM5: PM2

Ambry Genetics
Classification: Uncertain significance for Cardiovascular phenotype. Last evaluated: 2025-06-17. Review status: criteria provided, single submitter. Criteria: Ambry Variant Classification Scheme 2023. Collection method: clinical testing. Allele origin: germline.